The following is an entry in ClinVar:

ClinVar aggregate classification (germline): Pathogenic/Likely pathogenic. Review status: criteria provided, multiple submitters, no conflicts (2 of 4 stars). 2 submissions from 2 submitters: Pathogenic (1); Likely pathogenic (1). Last evaluated 2024-02-13.

Conditions:
Fanconi anemia (FA). Also called: Fanconi's anemia. Identifiers: Orphanet 84, MedGen C0015625, MeSH D005199, MONDO:0019391.
Fanconi anemia complementation group I (FANCI). Also called: FANCI-Related Fanconi Anemia. Identifiers: Orphanet 84, MedGen C1836861, MONDO:0012186, OMIM 609053.

Submissions (2):

Baylor Genetics
Classification: Likely pathogenic for Fanconi anemia complementation group I. Last evaluated: 2024-02-13. Review status: criteria provided, single submitter. Criteria: ACMG Guidelines, 2015. Collection method: clinical testing. Allele origin: unknown.

Labcorp Genetics (formerly Invitae), Labcorp
Classification: Pathogenic for Fanconi anemia. Last evaluated: 2022-06-09. Review status: criteria provided, single submitter. Criteria: Invitae Variant Classification Sherloc (09022015). Collection method: clinical testing. Allele origin: germline.
Comment: For these reasons, this variant has been classified as Pathogenic. ClinVar contains an entry for this variant (Variation ID: 1070880). This variant has not been reported in the literature in individuals affected with FANCI-related conditions. This variant is not present in population databases (gnomAD no frequency). This sequence change creates a premature translational stop signal (p.Leu1208Profs*12) in the FANCI gene. It is expected to result in an absent or disrupted protein product. Loss-of-function variants in FANCI are known to be pathogenic (PMID: 17452773, 17460694).

Literature cited by the submitters: PubMed 17452773 (cited by Labcorp Genetics (formerly Invitae), Labcorp); PubMed 17460694 (cited by Labcorp Genetics (formerly Invitae), Labcorp).

NM_001113378.2(FANCI):c.3622dup (p.Leu1208fs)

Gene: FANCI (FA complementation group I; plus strand). Cytogenetic location: 15q26.1.
Variant type: Duplication.
Coding change: c.3622dup on transcript NM_001113378.2 (MANE Select); coding-DNA position 3622, one base duplicated (C; older notation c.3622dupC).
Protein change: p.Leu1208fs; shifts the reading frame from leucine 1208.
Molecular consequence: frameshift variant.
Genome position (GRCh38, 1-based): chr15:89,307,643, C duplicated; the last of 6 consecutive C bases (chr15:89,307,638-89,307,643); duplicating any one gives the same sequence. VCF-style (leftmost placement, unchanged base first): chr15-89307637-A-AC. GRCh37 (hg19) VCF-style: chr15-89850868-A-AC.
Other names: c.3343dup, p.Leu1115fs (NM_001376910.1); c.3622dup, p.Leu1208fs (NM_001376911.1); c.3442dup, p.Leu1148fs (NM_018193.3); short protein forms L1115fs, L1148fs, L1208fs.
Identifiers: ClinVar variation 1070880 (VCV001070880.8), dbSNP rs1567175626, ClinGen allele CA2194557791.